The following is an entry in ClinVar:

ClinVar aggregate classification (germline): Conflicting classifications of pathogenicity. Review status: criteria provided, conflicting classifications (1 of 4 stars). 4 submissions from 4 submitters: Uncertain significance (1); Likely benign (2). 1 of the submissions does not count toward it. Last evaluated 2025-11-23.

Conditions:
COL6A2-related disorder.
Collagen 6-related myopathy. Identifiers: MedGen CN117976, MONDO:0100225.
Bethlem myopathy 1A. Also called: Bethlem myopathy 1; MYOPATHY, BENIGN CONGENITAL, WITH CONTRACTURES; Bethlem Muscular Dystrophy. Identifiers: Orphanet 610, MedGen CN029274, MONDO:0024530, OMIM 158810.

Allele frequency attached by ClinVar (database versions not stated): gnomAD 0.00005; gnomAD exomes 0.00007; ExAC 0.00009; TOPMed 0.00009.
gnomAD v4.1: 144 of 1,612,828 alleles (0.0089%); highest among the groups gnomAD compares: Non-Finnish European, 0.0097%; no homozygotes.

Submissions (4):

Labcorp Genetics (formerly Invitae), Labcorp
Classification: Likely benign for Bethlem myopathy 1A. Last evaluated: 2025-11-23. Review status: criteria provided, single submitter. Criteria: Invitae Variant Classification Sherloc (09022015). Collection method: clinical testing. Allele origin: germline.

Illumina Laboratory Services, Illumina
Classification: Likely benign for Collagen VI-related myopathy. Last evaluated: 2018-01-13. Review status: criteria provided, single submitter. Criteria: ICSL Variant Classification Criteria 13 December 2019. Collection method: clinical testing. Allele origin: germline.
Comment: This variant was observed in the ICSL laboratory as part of a predisposition screen in an ostensibly healthy population. It had not been previously curated by ICSL or reported in the Human Gene Mutation Database (HGMD: prior to June 1st, 2018), and was therefore a candidate for classification through an automated scoring system. Utilizing variant allele frequency, disease prevalence and penetrance estimates, and inheritance mode, an automated score was calculated to assess if this variant is too frequent to cause the disease. Based on the score and internal cut-off values, a variant classified as likely benign is not then subjected to further curation. The score for this variant resulted in a classification of likely benign for this disease.

Eurofins Ntd Llc (ga)
Classification: Uncertain significance. Last evaluated: 2016-09-26. Review status: criteria provided, single submitter. Criteria: EGL Classification Definitions 2015. Collection method: clinical testing. Allele origin: germline. Observed: 1 variant allele, 1 heterozygote.

PreventionGenetics, part of Exact Sciences
Classification: Likely benign for COL6A2-related condition. Last evaluated: 2019-03-26. Review status: no assertion criteria provided. Collection method: clinical testing. Allele origin: germline. Not counted in ClinVar's aggregate classification.
Comment: This variant is classified as likely benign based on ACMG/AMP sequence variant interpretation guidelines (Richards et al. 2015 PMID: 25741868, with internal and published modifications).

NM_001849.4(COL6A2):c.2205C>T (p.His735=)

Gene: COL6A2 (collagen type VI alpha 2 chain; plus strand). Cytogenetic location: 21q22.3.
Variant type: single nucleotide variant.
Coding change: c.2205C>T on transcript NM_001849.4 (MANE Select); coding-DNA position 2205, C replaced by T.
Protein change: p.His735=; no amino-acid change (histidine 735 retained).
Molecular consequence: synonymous variant.
Genome position (GRCh38, 1-based): chr21:46,126,020, C>T. VCF-style: chr21-46126020-C-T. GRCh37 (hg19) VCF-style: chr21-47545934-C-T.
Other names: c.2205C>T, p.His735= (NM_058174.3, NM_058175.3).
Identifiers: ClinVar variation 290480 (VCV000290480.21), dbSNP rs755147431, ClinGen allele CA10072466.
Genomic context (GRCh38, chr21:46,126,020, plus strand): 5'-CAAGGAGAGCCGGCGCCAGAAGACACGTGTGTTTGCGGTGGTCATCACGGACGGGCGCCA[C>T]GACCCTCGGGACGATGACCTCAACTTGCGGGCGCTGTGCGACCGCGACGTCACAGTGACG-3'
Protein context (NP_001840.3, residues 725-745): VFAVVITDGR[His735=]DPRDDDLNLR